The following is an entry in ClinVar:

NM_000400.4(ERCC2):c.1372T>C (p.Ser458Pro)

Gene: ERCC2 (ERCC excision repair 2, TFIIH core complex helicase subunit; minus strand). Cytogenetic location: 19q13.32.
Variant type: single nucleotide variant.
Coding change: c.1372T>C on transcript NM_000400.4 (MANE Select); coding-DNA position 1372, T replaced by C.
Protein change: p.Ser458Pro; replaces serine 458 with proline.
Molecular consequence: missense variant.
Genome position (GRCh38, 1-based): chr19:45,357,479, A>G on the plus strand (T>C on the coding strand, the complement: ERCC2 is on the minus strand). VCF-style: chr19-45357479-A-G. GRCh37 (hg19) VCF-style: chr19-45860737-A-G.
Other names: short protein forms S458P.
Identifiers: ClinVar variation 3509849 (VCV003509849.1).

ClinVar aggregate classification (germline): Uncertain significance (1 of 4 stars; one submission).

Conditions:
Inborn genetic diseases. Identifiers: MedGen C0950123, MeSH D030342.

Submission:

Ambry Genetics
Classification: Uncertain significance for Inborn genetic diseases. Last evaluated: 2024-08-20. Review status: criteria provided, single submitter. Criteria: Ambry Variant Classification Scheme 2023. Collection method: clinical testing. Allele origin: germline.
Comment: The p.S458P variant (also known as c.1372T>C), located in coding exon 14 of the ERCC2 gene, results from a T to C substitution at nucleotide position 1372. The serine at codon 458 is replaced by proline, an amino acid with similar properties. This amino acid position is conserved. In addition, this alteration is predicted to be deleterious by in silico analysis. Based on the available evidence, the clinical significance of this variant remains unclear.